The following is an entry in ClinVar:

ClinVar aggregate classification (germline): Likely benign. Review status: criteria provided, single submitter (1 of 4 stars). 2 submissions from 2 submitters: Likely benign (1). 1 of the submissions does not count toward it. Last evaluated 2024-06-07.

Conditions:
KDM5C-related disorder. Also called: KDM5C-related condition.
Spastic paraplegia. Identifiers: MedGen C0037772, HP:0001258.

Allele frequency attached by ClinVar (database versions not stated): ExAC 0.00001; gnomAD 0.00001; TOPMed 0.00004.
gnomAD v4.1: 25 of 1,211,038 alleles (0.0021%); highest among the groups gnomAD compares: African/African-American, 0.0035%; no homozygotes.

Submissions (2):

Labcorp Genetics (formerly Invitae), Labcorp
Classification: Likely benign for Spastic paraplegia. Last evaluated: 2024-06-07. Review status: criteria provided, single submitter. Criteria: Invitae Variant Classification Sherloc (09022015). Collection method: clinical testing. Allele origin: germline.

PreventionGenetics, part of Exact Sciences
Classification: Likely benign for KDM5C-related condition. Last evaluated: 2019-08-20. Review status: no assertion criteria provided. Collection method: clinical testing. Allele origin: germline. Not counted in ClinVar's aggregate classification.
Comment: This variant is classified as likely benign based on ACMG/AMP sequence variant interpretation guidelines (Richards et al. 2015 PMID: 25741868, with internal and published modifications).

NM_004187.5(KDM5C):c.3780A>G (p.Ala1260=)

Gene: KDM5C (lysine demethylase 5C; minus strand). Cytogenetic location: Xp11.22.
Variant type: single nucleotide variant.
Coding change: c.3780A>G on transcript NM_004187.5 (MANE Select); coding-DNA position 3780, A replaced by G.
Protein change: p.Ala1260=; no amino-acid change (alanine 1260 retained).
Molecular consequence: synonymous variant. On other transcripts: non-coding transcript variant (3).
Genome position (GRCh38, 1-based): chrX:53,194,397, T>C on the plus strand (A>G on the coding strand, the complement: KDM5C is on the minus strand). VCF-style: chrX-53194397-T-C. GRCh37 (hg19) VCF-style: chrX-53223579-T-C.
Other names: c.3780A>G (NM_004187.3); c.3579A>G, p.Ala1193= (NM_001146702.2); c.3777A>G, p.Ala1259= (NM_001282622.3, NM_001353979.2, NM_001353982.2); c.3780A>G, p.Ala1260= (NM_001353978.3, NM_001353981.2, NM_001353984.2).
Identifiers: ClinVar variation 2724974 (VCV002724974.5), dbSNP rs781916762, ClinGen allele CA10419182.
Genomic context (GRCh38, chrX:53,194,397, plus strand): 5'-GCACTGCAGGGCCTCGCCCTCGGGCAGCCGCACAGGCAGTCTCTGCAGGGCTACCAGCAG[T>C]GCCAGGATGGTCTCCAGGCGCGGGCGCCTTGAGCGCATACACAGTGGACACAGGAATTTG-3'
Protein context (NP_004178.2, residues 1250-1270): SRRPRLETIL[Ala1260=]LLVALQRLPV